The following is an entry in ClinVar:

NM_024426.6(WT1):c.752A>T (p.His251Leu)

Gene: WT1 (WT1 transcription factor; minus strand). Cytogenetic location: 11p13.
Variant type: single nucleotide variant.
Coding change: c.752A>T on transcript NM_024426.6 (MANE Select); coding-DNA position 752, A replaced by T.
Protein change: p.His251Leu; replaces histidine 251 with leucine.
Molecular consequence: missense variant. On other transcripts: non-coding transcript variant (1).
Genome position (GRCh38, 1-based): chr11:32,428,529, T>A on the plus strand (A>T on the coding strand, the complement: WT1 is on the minus strand). VCF-style: chr11-32428529-T-A. GRCh37 (hg19) VCF-style: chr11-32450075-T-A.
Other names: c.752A>T, p.His251Leu (NM_000378.6, NM_001407044.1, NM_001407045.1 and 4 more transcripts); c.101A>T, p.His34Leu (NM_001198551.2, NM_001198552.2); c.-11A>T (NM_001407051.1); c.737A>T, p.His246Leu (NM_024425.2); short protein forms H34L, H251L.
Identifiers: ClinVar variation 543140 (VCV000543140.16), dbSNP rs914029023, ClinGen allele CA16622056.

ClinVar aggregate classification (germline): Uncertain significance. Review status: criteria provided, multiple submitters, no conflicts (2 of 4 stars). 5 submissions from 5 submitters: Uncertain significance (5). Last evaluated 2025-11-11.

Conditions:
Inborn genetic diseases. Identifiers: MedGen C0950123, MeSH D030342.
Wilms tumor 1 (WT1). Also called: Wilms tumor, somatic. Identifiers: Orphanet 654, MedGen CN033288, MONDO:0008679, OMIM 194070.
11p partial monosomy syndrome (WAGR). Also called: CHROMOSOME 11p13 DELETION SYNDROME; WAGR Spectrum Disorder; WAGR syndrome; WAGR Complex. Identifiers: Orphanet 893, MedGen C0206115, MONDO:0008681, OMIM 194072.
Frasier syndrome. Identifiers: Orphanet 347, MedGen C0950122, MeSH D052159, MONDO:0007635, OMIM 136680.
Drash syndrome (DDS). Also called: NEPHROPATHY, WILMS TUMOR, AND GENITAL ANOMALIES; WILMS TUMOR AND PSEUDO- OR TRUE HERMAPHRODITISM. Identifiers: Orphanet 220, MedGen C0950121, MONDO:0008682, OMIM 194080.

gnomAD v4.1: 7 of 1,614,152 alleles (0.00043%); highest among the groups gnomAD compares: Non-Finnish European, 0.00059%; no homozygotes.

Submissions (5):

Color Diagnostics, LLC DBA Color Health
Classification: Uncertain significance for Wilms tumor 1. Last evaluated: 2025-11-11. Review status: criteria provided, single submitter. Criteria: ACMG Guidelines, 2015. Collection method: clinical testing. Allele origin: germline.
Comment: This missense variant replaces histidine with leucine at codon 246 in the WT1 protein. Computational prediction suggests that this variant may have deleterious impact on protein structure and function. To our knowledge, functional studies have not been reported for this variant. This variant has not been reported in individuals affected with WT1-related disorders in the literature. This variant has been identified in 7/1614152 chromosomes in the general population by the Genome Aggregation Database (gnomAD). The available evidence is insufficient to determine the role of this variant in disease conclusively. Therefore, this variant is classified as a Variant of Uncertain Significance.

Labcorp Genetics (formerly Invitae), Labcorp
Classification: Uncertain significance for Wilms tumor 1; Drash syndrome; 11p partial monosomy syndrome; Frasier syndrome. Last evaluated: 2025-03-31. Review status: criteria provided, single submitter. Criteria: Invitae Variant Classification Sherloc (09022015). Collection method: clinical testing. Allele origin: germline.
Comment: This sequence change replaces histidine, which is basic and polar, with leucine, which is neutral and non-polar, at codon 246 of the WT1 protein (p.His246Leu). This variant is not present in population databases (gnomAD no frequency). This variant has not been reported in the literature in individuals affected with WT1-related conditions. ClinVar contains an entry for this variant (Variation ID: 543140). Invitae Evidence Modeling of protein sequence and biophysical properties (such as structural, functional, and spatial information, amino acid conservation, physicochemical variation, residue mobility, and thermodynamic stability) has been performed for this missense variant. However, the output from this modeling did not meet the statistical confidence thresholds required to predict the impact of this variant on WT1 protein function. In summary, the available evidence is currently insufficient to determine the role of this variant in disease. Therefore, it has been classified as a Variant of Uncertain Significance.

GeneDx
Classification: Uncertain significance. Last evaluated: 2025-02-01. Review status: criteria provided, single submitter. Criteria: GeneDx Variant Classification Process June 2021. Collection method: clinical testing. Allele origin: germline. Affected: yes.
Comment: Not observed at significant frequency in large population cohorts (gnomAD); In silico analysis supports that this missense variant has a deleterious effect on protein structure/function; Has not been previously published as pathogenic or benign to our knowledge; Also known as

Ambry Genetics
Classification: Uncertain significance for Inborn genetic diseases. Last evaluated: 2024-12-17. Review status: criteria provided, single submitter. Criteria: Ambry Variant Classification Scheme 2023. Collection method: clinical testing. Allele origin: germline.
Comment: The p.H246L variant (also known as c.737A>T), located in coding exon 2 of the WT1 gene, results from an A to T substitution at nucleotide position 737. The histidine at codon 246 is replaced by leucine, an amino acid with similar properties. This amino acid position is highly conserved in available vertebrate species. In addition, this alteration is predicted to be deleterious by in silico analysis. Based on the available evidence, the clinical significance of this variant remains unclear.

All of Us Research Program, National Institutes of Health
Classification: Uncertain significance for Wilms tumor 1. Last evaluated: 2023-05-16. Review status: criteria provided, single submitter. Criteria: ACMG Guidelines, 2015. Collection method: clinical testing. Allele origin: germline. Inheritance: Autosomal dominant inheritance. Observed: 1 variant allele, 1 heterozygote.
Comment: This missense variant replaces histidine with leucine at codon 246 in the WT1 protein. Computational prediction suggests that this variant may have deleterious impact on protein structure and function (internally defined REVEL score threshold >= 0.7, PMID: 27666373). To our knowledge, functional studies have not been reported for this variant. This variant has not been reported in individuals affected with WT1-related disorders in the literature. This variant has not been identified in the general population by the Genome Aggregation Database (gnomAD). The available evidence is insufficient to determine the role of this variant in disease conclusively. Therefore, this variant is classified as a Variant of Uncertain Significance.

This study involves interpretation of variants in research participants for the purpose of population health screening. Participant phenotype was not available at the time of variant classification. Additional details can be found in publication PMID: 35346344, PMCID: PMC8962531